The following is an entry in ClinVar:

ClinVar aggregate classification (germline): Pathogenic/Likely pathogenic. Review status: criteria provided, multiple submitters, no conflicts (2 of 4 stars). 5 submissions from 5 submitters: Pathogenic (1); Likely pathogenic (4). Last evaluated 2025-07-03.

Conditions:
Familial cancer of breast. Also called: Hereditary breast cancer; hereditary breast carcinoma; BREAST CANCER, FAMILIAL. Identifiers: Orphanet 227535, MedGen C0346153, MONDO:0016419, OMIM 114480. Disease mechanism: loss of function.
Hereditary cancer-predisposing syndrome. Also called: Neoplastic Syndromes, Hereditary; Hereditary Cancer Syndrome; Tumor predisposition; Hereditary neoplastic syndrome. Identifiers: Orphanet 140162, MedGen C0027672, MeSH D009386, MONDO:0015356.

Allele frequency attached by ClinVar (database versions not stated): TOPMed 0.00002.
gnomAD v4.1: 16 of 1,595,222 alleles (0.001%); highest among the groups gnomAD compares: Admixed American, 0.025%; no homozygotes.

Submissions (5):

Labcorp Genetics (formerly Invitae), Labcorp
Classification: Likely pathogenic for Familial cancer of breast. Last evaluated: 2025-07-03. Review status: criteria provided, single submitter. Criteria: Invitae Variant Classification Sherloc (09022015). Collection method: clinical testing. Allele origin: germline.
Comment: This sequence change creates a premature translational stop signal (p.Glu504*) in the CHEK2 gene. While this is not anticipated to result in nonsense mediated decay, it is expected to disrupt the last 40 amino acid(s) of the CHEK2 protein. This variant is present in population databases (no rsID available, gnomAD 0.006%). This premature translational stop signal has been observed in individual(s) with unspecified cancer (PMID: 32805687). ClinVar contains an entry for this variant (Variation ID: 545987). This variant disrupts the nuclear localization signal (NLS) of the CHEK2 protein, which is critical for proper nuclear localization (PMID: 18004398, 12909615). While functional studies have not been performed to directly test the effect of this variant on CHEK2 protein function, this suggests that disruption of this region of the protein is causative of disease. In summary, the currently available evidence indicates that the variant is pathogenic, but additional data are needed to prove that conclusively. Therefore, this variant has been classified as Likely Pathogenic.

Ambry Genetics
Classification: Likely pathogenic for Hereditary cancer-predisposing syndrome. Last evaluated: 2025-03-14. Review status: criteria provided, single submitter. Criteria: Ambry Variant Classification Scheme 2023. Collection method: clinical testing. Allele origin: germline.
Comment: The p.E504* variant (also known as c.1510G>T), located in coding exon 13 of the CHEK2 gene, results from a G to T substitution at nucleotide position 1510. This changes the amino acid from a glutamic acid to a stop codon within coding exon 13. This alteration occurs at the 3' terminus of theCHEK2 gene, is not expected to trigger nonsense-mediated mRNA decay, and only impacts the last 40 amino acids of the protein. However, this alteration results in the truncation of the critical NLS-3 (nuclear localization signal-3) domain of the CHEK2 gene, which mediates proper localization of the protein (Zannini L et al. J. Biol. Chem. 2003 Oct; 278(43):42346-51). Based on the majority of available evidence to date, this variant is likely to be pathogenic.

Myriad Genetics, Inc.
Classification: Pathogenic for Familial cancer of breast. Last evaluated: 2023-06-29. Review status: criteria provided, single submitter. Criteria: Myriad Autosomal Dominant, Autosomal Recessive and X-Linked Classification Criteria (2023). Collection method: clinical testing. Allele origin: unknown.
Comment: This variant is considered pathogenic. This variant creates a termination codon and is predicted to result in premature protein truncation.

Baylor Genetics
Classification: Likely pathogenic for Familial cancer of breast. Last evaluated: 2022-08-16. Review status: criteria provided, single submitter. Criteria: ACMG Guidelines, 2015. Collection method: clinical testing. Allele origin: unknown.

GeneDx
Classification: Likely pathogenic. Last evaluated: 2019-09-30. Review status: criteria provided, single submitter. Criteria: GeneDx Variant Classification Process June 2021. Collection method: clinical testing. Allele origin: germline. Affected: yes.
Comment: Nonsense variant in the C-terminus predicted to result in protein truncation: nonsense-mediated decay not predicted to occur, last 40 amino acids are lost, truncation disrupts the nuclear localization signal domain (Roeb 2012); Not observed at a significant frequency in large population cohorts (Lek 2016); Has not been previously published as a pathogenic or benign germline variant to our knowledge; This variant is associated with the following publications: (PMID: 30413523, 29922827)

Literature cited by the submitters: PubMed 32805687 (cited by Labcorp Genetics (formerly Invitae), Labcorp); PubMed 18004398 (cited by Labcorp Genetics (formerly Invitae), Labcorp); PubMed 12909615 (cited by Labcorp Genetics (formerly Invitae), Labcorp).

NM_007194.4(CHEK2):c.1510G>T (p.Glu504Ter)

Gene: CHEK2 (checkpoint kinase 2; minus strand). Cytogenetic location: 22q12.1.
Variant type: single nucleotide variant.
Coding change: c.1510G>T on transcript NM_007194.4 (MANE Select); coding-DNA position 1510, G replaced by T.
Protein change: p.Glu504Ter; replaces glutamic acid 504 with a stop codon.
Molecular consequence: nonsense.
Genome position (GRCh38, 1-based): chr22:28,689,167, C>A on the plus strand (G>T on the coding strand, the complement: CHEK2 is on the minus strand). VCF-style: chr22-28689167-C-A. GRCh37 (hg19) VCF-style: chr22-29085155-C-A.
Other names: c.1639G>T, p.Glu547Ter (NM_001005735.3); c.847G>T, p.Glu283Ter (NM_001257387.3); c.1309G>T, p.Glu437Ter (NM_001349956.3); c.1423G>T, p.Glu475Ter (NM_145862.3); short protein forms E504*, E437*, E475*, E547*, E283*.
Identifiers: ClinVar variation 545987 (VCV000545987.16), dbSNP rs587782489, ClinGen allele CA411092388.